The following is an entry in ClinVar:

NM_000384.3(APOB):c.5658T>G (p.Asn1886Lys)

Gene: APOB (apolipoprotein B; minus strand). Cytogenetic location: 2p24.1.
Variant type: single nucleotide variant.
Coding change: c.5658T>G on transcript NM_000384.3 (MANE Select); coding-DNA position 5658, T replaced by G.
Protein change: p.Asn1886Lys; replaces asparagine 1886 with lysine.
Molecular consequence: missense variant.
Genome position (GRCh38, 1-based): chr2:21,011,210, A>C on the plus strand (T>G on the coding strand, the complement: APOB is on the minus strand). VCF-style: chr2-21011210-A-C. GRCh37 (hg19) VCF-style: chr2-21234082-A-C.
Other names: short protein forms N1886K.
Identifiers: ClinVar variation 3885181 (VCV003885181.1), dbSNP rs1663310154.

ClinVar aggregate classification (germline): Uncertain significance (1 of 4 stars; one submission).

Conditions:
Cardiovascular phenotype. Identifiers: MedGen CN230736.

Allele frequency attached by ClinVar (database versions not stated): gnomAD 0.00001; TOPMed 0.00001.
gnomAD v4.1: 2 of 1,614,058 alleles (0.00012%); highest among the groups gnomAD compares: African/African-American, 0.0013%; no homozygotes.

Submission:

Ambry Genetics
Classification: Uncertain significance for Cardiovascular phenotype. Last evaluated: 2025-01-28. Review status: criteria provided, single submitter. Criteria: Ambry Variant Classification Scheme 2023. Collection method: clinical testing. Allele origin: germline.
Comment: The p.N1886K variant (also known as c.5658T>G), located in coding exon 26 of the APOB gene, results from a T to G substitution at nucleotide position 5658. The asparagine at codon 1886 is replaced by lysine, an amino acid with similar properties. This amino acid position is conserved. In addition, this alteration is predicted to be tolerated by in silico analysis. Based on the available evidence, the clinical significance of this variant remains unclear.